The following is an entry in ClinVar:

ClinVar aggregate classification (germline): Pathogenic (1 of 4 stars; one submission).

Conditions:
TWIST1-related craniosynostosis (CRS1). Also called: CRANIOSYNOSTOSIS 1. Identifiers: Orphanet 63440, MedGen C4551902, MONDO:0007399, OMIM 123100. Inheritance: Heterogenous inheritance pattern.
Saethre-Chotzen syndrome (SCS). Also called: ACROCEPHALY, SKULL ASYMMETRY, AND MILD SYNDACTYLY; ACS III; CHOTZEN SYNDROME. Identifiers: Orphanet 794, MedGen C0175699, MONDO:0007042, OMIM 101400.

Submission:

Labcorp Genetics (formerly Invitae), Labcorp
Classification: Pathogenic for TWIST1-related craniosynostosis; Saethre-Chotzen syndrome. Last evaluated: 2024-10-17. Review status: criteria provided, single submitter. Criteria: Invitae Variant Classification Sherloc (09022015). Collection method: clinical testing. Allele origin: germline.
Comment: This sequence change results in a frameshift in the TWIST1 gene (p.Gly48Argfs*188). While this is not anticipated to result in nonsense mediated decay, it is expected to disrupt the last 155 amino acid(s) of the TWIST1 protein and extend the protein by 32 additional amino acid residues. This variant is not present in population databases (gnomAD no frequency). This variant has not been reported in the literature in individuals affected with TWIST1-related conditions. ClinVar contains an entry for this variant (Variation ID: 2036363). This variant disrupts a region of the TWIST1 protein in which other variant(s) (p.Leu159Phe) have been determined to be pathogenic (PMID: 10094188, 10749989; internal data). This suggests that this is a clinically significant region of the protein, and that variants that disrupt it are likely to be disease-causing. For these reasons, this variant has been classified as Pathogenic.

Literature cited by the submitters: PubMed 10094188; PubMed 10749989.

NM_000474.4(TWIST1):c.141_145del (p.Gly48fs)

Gene: TWIST1 (twist family bHLH transcription factor 1; minus strand). Cytogenetic location: 7p21.1.
Variant type: Deletion.
Coding change: c.141_145del on transcript NM_000474.4 (MANE Select); coding-DNA positions 141 to 145, 5 bases deleted (CGGCG; older notation c.141_145delCGGCG).
Protein change: p.Gly48fs; shifts the reading frame from glycine 48.
Molecular consequence: frameshift variant. On other transcripts: non-coding transcript variant (1).
Genome position (GRCh38, 1-based): chr7:19,117,177-19,117,181, CGCCG deleted on the plus strand (CGGCG on the coding strand, the reverse complement: TWIST1 is on the minus strand); deleting any 5 consecutive bases within chr7:19,117,177-19,117,182 gives the same sequence; the c. name uses the placement nearest the transcript's 3' end. VCF-style (leftmost placement, unchanged base first): chr7-19117176-CCGCCG-C. GRCh37 (hg19) VCF-style: chr7-19156799-CCGCCG-C.
Other names: short protein forms G48fs.
Identifiers: ClinVar variation 2036363 (VCV002036363.4), dbSNP rs2486051486, ClinGen allele CA2580076912.
Genomic context (GRCh38, chr7:19,117,176, plus strand): 5'-GGGCTGCCCGGCTCGTCGCCGCCTCCGACGCCCCCACCCGCGGCTCCGCCGGGCCCCGCG[CCGCCG>C]CCCGCGCTGCGCCTGCTGCTGCGCCGCTTGCGTCCCCCGCGCTTGCCGCTCGGCGGCTGC-3'